The following is an entry in ClinVar:

NM_000083.3(CLCN1):c.2471C>A (p.Ser824Tyr)

Gene: CLCN1 (chloride voltage-gated channel 1; plus strand). Cytogenetic location: 7q34.
Variant type: single nucleotide variant.
Coding change: c.2471C>A on transcript NM_000083.3 (MANE Select); coding-DNA position 2471, C replaced by A.
Protein change: p.Ser824Tyr; replaces serine 824 with tyrosine.
Molecular consequence: missense variant. On other transcripts: non-coding transcript variant (1).
Genome position (GRCh38, 1-based): chr7:143,350,439, C>A. VCF-style: chr7-143350439-C-A. GRCh37 (hg19) VCF-style: chr7-143047532-C-A.
Other names: short protein forms S824Y.
Identifiers: ClinVar variation 995342 (VCV000995342.3), dbSNP rs1803362038, ClinGen allele CA369652616.

ClinVar aggregate classification (germline): Uncertain significance. Review status: criteria provided, multiple submitters, no conflicts (2 of 4 stars). 2 submissions from 2 submitters: Uncertain significance (2). Last evaluated 2024-02-05.

Conditions:
Congenital myotonia, autosomal dominant form (THD). Also called: THOMSEN DISEASE; Myotonia congenita autosomal dominant. Identifiers: Orphanet 614, MedGen C2936781, MONDO:0008055, OMIM 160800.
Congenital myotonia, autosomal recessive form. Also called: BECKER DISEASE; Becker Generalized Myotonia; myotonia congenita, autosomal recessive. Identifiers: Orphanet 614, MedGen C0751360, MONDO:0009715, OMIM 255700.

Submissions (2):

Labcorp Genetics (formerly Invitae), Labcorp
Classification: Uncertain significance for Congenital myotonia, autosomal recessive form; Congenital myotonia, autosomal dominant form. Last evaluated: 2024-02-05. Review status: criteria provided, single submitter. Criteria: Invitae Variant Classification Sherloc (09022015). Collection method: clinical testing. Allele origin: germline.
Comment: This sequence change replaces serine, which is neutral and polar, with tyrosine, which is neutral and polar, at codon 824 of the CLCN1 protein (p.Ser824Tyr). This variant is not present in population databases (gnomAD no frequency). This variant has not been reported in the literature in individuals affected with CLCN1-related conditions. ClinVar contains an entry for this variant (Variation ID: 995342). Advanced modeling of protein sequence and biophysical properties (such as structural, functional, and spatial information, amino acid conservation, physicochemical variation, residue mobility, and thermodynamic stability) has been performed at Invitae for this missense variant, however the output from this modeling did not meet the statistical confidence thresholds required to predict the impact of this variant on CLCN1 protein function. In summary, the available evidence is currently insufficient to determine the role of this variant in disease. Therefore, it has been classified as a Variant of Uncertain Significance.

Athena Diagnostics
Classification: Uncertain significance. Last evaluated: 2019-12-20. Review status: criteria provided, single submitter. Criteria: Athena Diagnostics Criteria. Collection method: clinical testing. Allele origin: unknown.